The following is an entry in ClinVar:

ClinVar aggregate classification (germline): Uncertain significance (1 of 4 stars; one submission).

gnomAD v4.1: 5 of 1,550,780 alleles (0.00032%); highest among the groups gnomAD compares: East Asian, 0.0024%; no homozygotes.

Submission:

CeGaT Center for Human Genetics Tuebingen
Classification: Uncertain significance. Last evaluated: 2022-10-01. Review status: criteria provided, single submitter. Criteria: CeGaT Center For Human Genetics Tuebingen Variant Classification Criteria Version 2. Collection method: clinical testing. Allele origin: germline. Affected: yes. Observed: 1 variant allele.
Comment: OTOG: PM2, BP4

NM_001292063.2(OTOG):c.5008C>A (p.Pro1670Thr)

Gene: OTOG (otogelin; plus strand). Cytogenetic location: 11p15.1.
Variant type: single nucleotide variant.
Coding change: c.5008C>A on transcript NM_001292063.2 (MANE Select); coding-DNA position 5008, C replaced by A.
Protein change: p.Pro1670Thr; replaces proline 1670 with threonine.
Molecular consequence: missense variant.
Genome position (GRCh38, 1-based): chr11:17,610,308, C>A. VCF-style: chr11-17610308-C-A. GRCh37 (hg19) VCF-style: chr11-17631855-C-A.
Other names: c.5044C>A, p.Pro1682Thr (NM_001277269.2); short protein forms P1670T, P1682T.
Identifiers: ClinVar variation 2641651 (VCV002641651.24), dbSNP rs761398662, ClinGen allele CA379797246.
Genomic context (GRCh38, chr11:17,610,308, plus strand): 5'-TCCCCTGGAGCCATCTCCAGGTCCCCCACCTCCTCGGGATCCCACAAGGCTGTGCTGACA[C>A]CTGCAGTAACTAAGGTCATAAGCAGGACAGGGGTCCCCCAGCCCACCCAGGCCCAGAGTG-3'
Protein context (NP_001278992.1, residues 1660-1680): SSGSHKAVLT[Pro1670Thr]AVTKVISRTG